The following continues an entry in ClinVar:

NM_000051.4(ATM):c.3806A>G (p.Lys1269Arg)

Gene: ATM. ClinVar aggregate classification (germline): Conflicting classifications of pathogenicity. Uncertain significance (11); Likely benign (3).

Submissions 15 to 19 of 19:

PreventionGenetics, part of Exact Sciences
Classification: Uncertain significance for ATM-related condition. Last evaluated: 2024-02-05. Review status: no assertion criteria provided. Collection method: clinical testing. Allele origin: germline. Not counted in ClinVar's aggregate classification.
Comment: The ATM c.3806A>G variant is predicted to result in the amino acid substitution p.Lys1269Arg. This variant has been reported in an individual with breast cancer who has a family history of breast, ovarian, and colorectal cancer (Dominguez-Valentin et al. 2019. PubMed ID: 31811167). In this same study, this variant was shown to lead to aberrant splicing leading to an in-frame deletion using an in vitro minigene assay. No RNA from the patient was available to test splicing effects as an in vivo experiment. ATM levels in the patient’s tumor were weak-to-absent. This variant has also been reported in additional individuals with personal and/or family histories of breast cancer (Table S5, Decker et al. 2017. PubMed ID: 28779002; Table S4, Bhai et al. 2021. PubMed ID: 34326862). This variant was reported in 10 cases in one large study of individuals with breast cancer; however, it was also reported in 3 controls in that study (Dorling et al. 2021. PubMed ID: 33471991). This variant is reported in 0.012% of alleles in individuals of African descent in gnomAD and has conflicting interpretations regarding its pathogenicity in ClinVar, ranging from likely benign to uncertain. At this time, the clinical significance of this variant is uncertain due to the absence of conclusive functional and genetic evidence.

Natera, Inc.
Classification: Uncertain significance for Ataxia-telangiectasia. Last evaluated: 2020-09-16. Review status: no assertion criteria provided. Collection method: clinical testing. Allele origin: germline. Not counted in ClinVar's aggregate classification.

Counsyl
Classification: Uncertain significance for Ataxia-telangiectasia syndrome. Last evaluated: 2017-02-07. Review status: no assertion criteria provided. Collection method: clinical testing. Allele origin: unknown. Not counted in ClinVar's aggregate classification.

Diagnostic Laboratory, Department of Genetics, University Medical Center Groningen
Classification: Uncertain significance. Review status: no assertion criteria provided. Collection method: clinical testing. Allele origin: germline. Affected: yes. Study: VKGL Data-share Consensus. Not counted in ClinVar's aggregate classification.

Joint Genome Diagnostic Labs from Nijmegen and Maastricht, Radboudumc and MUMC+
Classification: Uncertain significance. Review status: no assertion criteria provided. Collection method: clinical testing. Allele origin: germline. Affected: yes. Study: VKGL Data-share Consensus. Not counted in ClinVar's aggregate classification.

Literature cited by the submitters: PubMed 31811167 (cited by 4 submitters); PubMed 34326862 (cited by 3 submitters); PubMed 36315919 (cited by Labcorp Genetics (formerly Invitae), Labcorp and Women's Health and Genetics/Laboratory Corporation of America, LabCorp); PubMed 25085752 (cited by Myriad Genetics, Inc.); PubMed 33471991 (cited by Athena Diagnostics and Sema4); PubMed 28779002 (cited by 3 submitters); PubMed 31874108 (cited by Women's Health and Genetics/Laboratory Corporation of America, LabCorp).